The following is an entry in ClinVar:

ClinVar aggregate classification (germline): Uncertain significance (1 of 4 stars; one submission).

Conditions:
Neuronal ceroid lipofuscinosis 11. Also called: GRN-Related Neuronal Ceroid-Lipofuscinosis. Identifiers: Orphanet 314629, Orphanet 79262, MedGen C3539123, MONDO:0013866, OMIM 614706.
GRN-related frontotemporal lobar degeneration with Tdp43 inclusions (FTD2). Also called: DEMENTIA, HEREDITARY DYSPHASIC DISINHIBITION; FRONTOTEMPORAL LOBAR DEGENERATION WITH UBIQUITIN-POSITIVE INCLUSIONS; FTLD-TDP, GRN-RELATED; GRN Frontotemporal Dementia; FRONTOTEMPORAL DEMENTIA WITH TDP43 INCLUSIONS, GRN-RELATED. Identifiers: Orphanet 100070, Orphanet 282, MedGen C1843792, MONDO:0011842, OMIM 607485. Disease mechanism: loss of function.

Submission:

Labcorp Genetics (formerly Invitae), Labcorp
Classification: Uncertain significance for Neuronal ceroid lipofuscinosis 11; GRN-related frontotemporal lobar degeneration with Tdp43 inclusions. Last evaluated: 2024-10-16. Review status: criteria provided, single submitter. Criteria: Invitae Variant Classification Sherloc (09022015). Collection method: clinical testing. Allele origin: germline.
Comment: This sequence change replaces lysine, which is basic and polar, with glutamic acid, which is acidic and polar, at codon 361 of the GRN protein (p.Lys361Glu). This variant is not present in population databases (gnomAD no frequency). This variant has not been reported in the literature in individuals affected with GRN-related conditions. Invitae Evidence Modeling of protein sequence and biophysical properties (such as structural, functional, and spatial information, amino acid conservation, physicochemical variation, residue mobility, and thermodynamic stability) indicates that this missense variant is not expected to disrupt GRN protein function with a negative predictive value of 80%. In summary, the available evidence is currently insufficient to determine the role of this variant in disease. Therefore, it has been classified as a Variant of Uncertain Significance.

NM_002087.4(GRN):c.1081A>G (p.Lys361Glu)

Gene: GRN (granulin precursor; plus strand). Cytogenetic location: 17q21.31.
Variant type: single nucleotide variant.
Coding change: c.1081A>G on transcript NM_002087.4 (MANE Select); coding-DNA position 1081, A replaced by G.
Protein change: p.Lys361Glu; replaces lysine 361 with glutamic acid.
Molecular consequence: missense variant.
Genome position (GRCh38, 1-based): chr17:44,351,697, A>G. VCF-style: chr17-44351697-A-G. GRCh37 (hg19) VCF-style: chr17-42429065-A-G.
Other names: short protein forms K361E.
Identifiers: ClinVar variation 3751473 (VCV003751473.2).